The following is an entry in ClinVar:

ClinVar aggregate classification (germline): Pathogenic/Likely pathogenic. Review status: criteria provided, multiple submitters, no conflicts (2 of 4 stars). 6 submissions from 6 submitters: Pathogenic (3); Likely pathogenic (2). 1 of the submissions does not count toward it. Last evaluated 2024-12-06.

Conditions:
Alzheimer disease 3 (AD3). Also called: ALZHEIMER DISEASE, FAMILIAL, 3. Identifiers: Orphanet 1020, MedGen C1843013, MONDO:0011913, OMIM 607822.
Acne inversa, familial, 3 (ACNINV3). Identifiers: MedGen C3151038, MONDO:0013398, OMIM 613737.
Frontotemporal dementia (FTD1). Also called: Frontotemporal Dementia with Parkinsonism-17 (FTDP-17); FRONTOTEMPORAL DEMENTIA WITH PARKINSONISM; FRONTOTEMPORAL LOBE DEMENTIA; MULTIPLE SYSTEM TAUOPATHY WITH PRESENILE DEMENTIA; Dementia, frontotemporal, with or without parkinsonism; WILHELMSEN-LYNCH DISEASE. Identifiers: Orphanet 282, MedGen C0338451, MONDO:0017276, OMIM 600274, HP:0002145.
Pick disease. Also called: PICK DISEASE OF BRAIN; DEMENTIA WITH LOBAR ATROPHY AND NEURONAL CYTOPLASMIC INCLUSIONS; LOBAR ATROPHY OF BRAIN; Pick's disease; Pick Disease of the Brain. Identifiers: Orphanet 282, MedGen C0236642, MONDO:0008243, OMIM 172700.

Submissions (6):

Molecular Genetics, Royal Melbourne Hospital
Classification: Pathogenic for Alzheimer disease 3. Last evaluated: 2024-12-06. Review status: criteria provided, single submitter. Criteria: ACMG Guidelines, 2015. Collection method: clinical testing. Allele origin: germline. Inheritance: Autosomal dominant inheritance. Affected: yes.
Comment: This sequence change in PSEN1 is predicted to replace tyrosine with cysteine at codon 115, p.(Tyr115Cys). The tyrosine residue is highly conserved (100 vertebrates, Multiz Alignments), and is located in the lumenal domain. There is a large physicochemical difference between tyrosine and cysteine. PSEN1, in which the variant was identified, is a gene significantly constrained for missense variation and where pathogenic missense variants are a common mechanism of disease (gnomAD v4.1). This variant is absent from the population database gnomAD v4.1. This variant has been reported in multiple probands with a clinical diagnosis of Alzheimer disease and segregates with disease in multiple families (PMID: 7942850, 9384602, 20008660, 22475797, 24093083, 25108559, 26888304, 27777022, 28350801, 31217084, 34720994, 38281098). A functional study with limited assaying amyloid beta expression showed an increase in the proportion of longer forms relative to shorter forms, supportive of a damaging effect on protein function (PMID: 10401002). Computational evidence predicts a deleterious effect for the missense substitution (REVEL = 0.98) and predicts no impact on splicing (SpliceAI) for the nucleotide change. Based on the classification scheme RMH Modified ACMG/AMP Guidelines v1.7.0, this variant is classified as PATHOGENIC. Following criteria are met: PM2_Supporting, PP1_Strong, PP2, PP3_Moderate, PS3_Supporting, PS4.

Labcorp Genetics (formerly Invitae), Labcorp
Classification: Pathogenic for Alzheimer disease 3; Pick disease; Acne inversa, familial, 3; Frontotemporal dementia. Last evaluated: 2020-09-11. Review status: criteria provided, single submitter. Criteria: Invitae Variant Classification Sherloc (09022015). Collection method: clinical testing. Allele origin: germline.
Comment: For these reasons, this variant has been classified as Pathogenic. Experimental studies have shown that this variant affects PSEN1 protein function (PMID: 25921538). This variant has been observed in individual(s) with early onset Alzheimer disease (PMID: 9384602, 27777022, 28350801). It has also been observed to segregate with disease in related individuals. ClinVar contains an entry for this variant (Variation ID: 98015). This variant is not present in population databases (ExAC no frequency). This sequence change replaces tyrosine with cysteine at codon 115 of the PSEN1 protein (p.Tyr115Cys). The tyrosine residue is highly conserved and there is a large physicochemical difference between tyrosine and cysteine.

Johns Hopkins Genomics, Johns Hopkins University
Classification: Likely pathogenic for Alzheimer disease 3. Last evaluated: 2020-05-21. Review status: criteria provided, single submitter. Criteria: ACMG Guidelines, 2015. Collection method: clinical testing. Allele origin: germline.

Women's Health and Genetics/Laboratory Corporation of America, LabCorp
Classification: Likely pathogenic for Alzheimer disease, type 3. Last evaluated: 2020-05-05. Review status: criteria provided, single submitter. Criteria: LabCorp Variant Classification Summary - May 2015. Collection method: clinical testing. Allele origin: germline.
Comment: Variant summary: PSEN1 c.344A>G (p.Tyr115Cys) results in a non-conservative amino acid change in the encoded protein sequence. Five of five in-silico tools predict a damaging effect of the variant on protein function. The variant was absent in 251468 control chromosomes (gnomAD). c.344A>G has been reported in the literature in multiple individuals and families affected with Alzheimer Disease (e.g. Cruts_1998, Ryan_2016, Lanoiselee_2017). These data indicate that the variant is very likely to be associated with disease. Publications reporting experimental evidence show the variant alters protein function, and results in major defects in lysosome function and autophagy in human neurons (Moore_2015, Hung_2018). Two clinical diagnostic laboratories have submitted clinical-significance assessments for this variant to ClinVar after 2014 without evidence for independent evaluation, and both of them classified the variant as pathogenic. Based on the evidence outlined above, the variant was classified as pathogenic.

Athena Diagnostics
Classification: Pathogenic. Last evaluated: 2015-11-13. Review status: criteria provided, single submitter. Criteria: Athena Diagnostics Criteria. Collection method: clinical testing. Allele origin: germline.

VIB  Department of Molecular Genetics, University of Antwerp
No classification provided. Review status: no classification provided. Collection method: not provided. Allele origin: unknown. Not counted in ClinVar's aggregate classification.

Literature cited by the submitters: PubMed 7942850 (cited by Molecular Genetics, Royal Melbourne Hospital and Athena Diagnostics); PubMed 9384602 (cited by 5 submitters); PubMed 10401002 (cited by Molecular Genetics, Royal Melbourne Hospital and Athena Diagnostics); PubMed 20008660 (cited by Molecular Genetics, Royal Melbourne Hospital); PubMed 22475797 (cited by Molecular Genetics, Royal Melbourne Hospital); PubMed 24093083 (cited by Molecular Genetics, Royal Melbourne Hospital and Athena Diagnostics); PubMed 25108559 (cited by Molecular Genetics, Royal Melbourne Hospital); PubMed 26888304 (cited by Molecular Genetics, Royal Melbourne Hospital); PubMed 27777022 (cited by 4 submitters); PubMed 28350801 (cited by 4 submitters); PubMed 31217084 (cited by Molecular Genetics, Royal Melbourne Hospital); PubMed 34720994 (cited by Molecular Genetics, Royal Melbourne Hospital); PubMed 38281098 (cited by Molecular Genetics, Royal Melbourne Hospital); PubMed 25921538 (cited by 3 submitters); PubMed 30590039 (cited by Johns Hopkins Genomics, Johns Hopkins University and Women's Health and Genetics/Laboratory Corporation of America, LabCorp); PubMed 11524469 (cited by Athena Diagnostics); PubMed 12552037 (cited by Athena Diagnostics); PubMed 16710641 (cited by Athena Diagnostics).

NM_000021.4(PSEN1):c.344A>G (p.Tyr115Cys)

Gene: PSEN1 (presenilin 1; plus strand). Cytogenetic location: 14q24.2.
Variant type: single nucleotide variant.
Coding change: c.344A>G on transcript NM_000021.4 (MANE Select); coding-DNA position 344, A replaced by G.
Protein change: p.Tyr115Cys; replaces tyrosine 115 with cysteine.
Molecular consequence: missense variant.
Genome position (GRCh38, 1-based): chr14:73,173,571, A>G. VCF-style: chr14-73173571-A-G. GRCh37 (hg19) VCF-style: chr14-73640279-A-G.
Other names: c.332A>G, p.Tyr111Cys (NM_007318.3); short protein forms Y115C, Y111C.
Identifiers: ClinVar variation 98015 (VCV000098015.13), dbSNP rs63750450, ClinGen allele CA225002.